The following is an entry in ClinVar:

ClinVar aggregate classification (germline): Likely pathogenic (1 of 4 stars; one submission).

Conditions:
Mucopolysaccharidosis, MPS-II (MPS2). Also called: Hunter Syndrome; IDURONATE 2-SULFATASE DEFICIENCY; Mucopolysaccharidosis Type II; Mucopolysaccharidosis type 2; Attenuated MPS (subtype; formerly known as mild MPS II); Severe MPS II. Identifiers: Orphanet 580, Orphanet 79388, MedGen C0026705, MONDO:0010674, OMIM 309900.

Submission:

Laboratory of Diagnosis and Therapy of Lysosomal Disorders, University of Padova
Classification: Likely pathogenic for Mucopolysaccharidosis, MPS-II. Last evaluated: 2024-06-07. Review status: criteria provided, single submitter. Criteria: ACMG Guidelines, 2015. Collection method: literature only. Allele origin: germline. Affected: yes. Observed: 1 variant allele.
Comment: Null variant (PVS1_Strong), Absent from controls (or at low frequency) in gnomAD database (PM2_Moderate), Patient’s phenotype or family history highly specific for the disease (PP4_Moderate)

Classification method: ACMG Guidelines [PMID:25741868] with modifications

Literature cited by the submitters: PubMed 24125893.

NM_000202.8(IDS):c.1349_1364del (p.Asp450fs)

Gene: IDS (iduronate 2-sulfatase; minus strand). Cytogenetic location: Xq28.
Variant type: Deletion.
Coding change: c.1349_1364del on transcript NM_000202.8 (MANE Select); coding-DNA positions 1349 to 1364, 16 bases deleted (ATCCGTACCTCCCTGG).
Protein change: p.Asp450fs; shifts the reading frame from aspartic acid 450.
Molecular consequence: frameshift variant.
Genome position (GRCh38, 1-based): chrX:149,483,035-149,483,050, CCAGGGAGGTACGGAT deleted on the plus strand (ATCCGTACCTCCCTGG on the coding strand, the reverse complement: IDS is on the minus strand); deleting any 16 consecutive bases within chrX:149,483,035-149,483,052 gives the same sequence; the c. name uses the placement nearest the transcript's 3' end. VCF-style (leftmost placement, unchanged base first): chrX-149483034-ACCAGGGAGGTACGGAT-A. GRCh37 (hg19) VCF-style: chrX-148564565-ACCAGGGAGGTACGGAT-A.
Other names: c.1079_1094del, p.Asp360fs (NM_001166550.4); short protein forms D360fs, D450fs.
Identifiers: ClinVar variation 3256032 (VCV003256032.2).